The following is an entry in ClinVar:

ClinVar aggregate classification (germline): Uncertain significance. Review status: criteria provided, multiple submitters, no conflicts (2 of 4 stars). 6 submissions from 6 submitters: Uncertain significance (5). 1 of the submissions does not count toward it. Last evaluated 2025-08-19.

Conditions:
Neuronal ceroid lipofuscinosis. Also called: Neuronal Ceroid Lipofuscinoses. Identifiers: Orphanet 216, Orphanet 79263, MedGen C0027877, MONDO:0016295. Disease mechanism: loss of function.
Neuronal ceroid lipofuscinosis 8 (CLN8). Also called: CLN8-Related Neuronal Ceroid-Lipofuscinosis. Identifiers: Orphanet 168491, Orphanet 228354, Orphanet 79264, MedGen C1838570, MONDO:0010830, OMIM 600143.
Inborn genetic diseases. Identifiers: MedGen C0950123, MeSH D030342.
Neuronal ceroid lipofuscinosis 8 northern epilepsy variant. Also called: EPILEPSY, PROGRESSIVE, WITH MENTAL RETARDATION; NORTHERN EPILEPSY. Identifiers: Orphanet 1947, MedGen C1864923, MONDO:0012391, OMIM 610003.

Allele frequency attached by ClinVar (database versions not stated): gnomAD 0.00010; TOPMed 0.00012; 1000 Genomes Project 0.00020; ESP Exome Variant Server 0.00031; 1000 Genomes Project 30x 0.00047.

Submissions (6):

GeneDx
Classification: Uncertain significance. Last evaluated: 2025-08-19. Review status: criteria provided, single submitter. Criteria: GeneDx Variant Classification Process June 2021. Collection method: clinical testing. Allele origin: germline. Affected: yes.
Comment: In silico analysis suggests that this missense variant does not alter protein structure/function; Has not been previously published as pathogenic or benign to our knowledge

Ambry Genetics
Classification: Uncertain significance for Inborn genetic diseases. Last evaluated: 2025-01-16. Review status: criteria provided, single submitter. Criteria: Ambry Variant Classification Scheme 2023. Collection method: clinical testing. Allele origin: germline.
Comment: The c.53A>T (p.Y18F) alteration is located in exon 2 (coding exon 1) of the CLN8 gene. This alteration results from a A to T substitution at nucleotide position 53, causing the tyrosine (Y) at amino acid position 18 to be replaced by a phenylalanine (F). The in silico prediction for this alteration is inconclusive. Based on insufficient or conflicting evidence, the clinical significance of this alteration remains unclear.

Labcorp Genetics (formerly Invitae), Labcorp
Classification: Uncertain significance for Neuronal ceroid lipofuscinosis. Last evaluated: 2022-08-20. Review status: criteria provided, single submitter. Criteria: Invitae Variant Classification Sherloc (09022015). Collection method: clinical testing. Allele origin: germline.
Comment: This sequence change replaces tyrosine, which is neutral and polar, with phenylalanine, which is neutral and non-polar, at codon 18 of the CLN8 protein (p.Tyr18Phe). This variant is present in population databases (rs142104002, gnomAD 0.03%). This variant has not been reported in the literature in individuals affected with CLN8-related conditions. ClinVar contains an entry for this variant (Variation ID: 205202). Algorithms developed to predict the effect of missense changes on protein structure and function are either unavailable or do not agree on the potential impact of this missense change (SIFT: "Deleterious"; PolyPhen-2: "Benign"; Align-GVGD: "Class C0"). In summary, the available evidence is currently insufficient to determine the role of this variant in disease. Therefore, it has been classified as a Variant of Uncertain Significance.

Fulgent Genetics
Classification: Uncertain significance for Neuronal ceroid lipofuscinosis 8; Neuronal ceroid lipofuscinosis 8 northern epilepsy variant. Last evaluated: 2021-12-16. Review status: criteria provided, single submitter. Criteria: ACMG Guidelines, 2015. Collection method: clinical testing. Allele origin: unknown.

Athena Diagnostics
Classification: Uncertain significance. Last evaluated: 2018-03-08. Review status: criteria provided, single submitter. Criteria: Athena Diagnostics Criteria. Collection method: clinical testing. Allele origin: germline.

Natera, Inc.
Classification: Uncertain significance for Neuronal ceroid lipofuscinosis 8. Last evaluated: 2020-01-15. Review status: no assertion criteria provided. Collection method: clinical testing. Allele origin: germline. Not counted in ClinVar's aggregate classification.

NM_018941.4(CLN8):c.53A>T (p.Tyr18Phe)

Gene: CLN8 (CLN8 transmembrane ER and ERGIC protein; plus strand). Cytogenetic location: 8p23.3.
Variant type: single nucleotide variant.
Coding change: c.53A>T on transcript NM_018941.4 (MANE Select); coding-DNA position 53, A replaced by T.
Protein change: p.Tyr18Phe; replaces tyrosine 18 with phenylalanine.
Molecular consequence: missense variant.
Genome position (GRCh38, 1-based): chr8:1,771,107, A>T. VCF-style: chr8-1771107-A-T. GRCh37 (hg19) VCF-style: chr8-1719273-A-T.
Other names: p.Y18F:TAT>TTT; short protein forms Y18F.
Identifiers: ClinVar variation 205202 (VCV000205202.15), dbSNP rs142104002, ClinGen allele CA314038.